The following is an entry in ClinVar:

ClinVar aggregate classification (germline): Benign/Likely benign. Review status: criteria provided, multiple submitters, no conflicts (2 of 4 stars). 12 submissions from 12 submitters: Benign (3); Likely benign (8). 1 of the submissions does not count toward it. Last evaluated 2025-12-31.

Conditions:
STK11-related disorder. Also called: STK11-related condition.
Hereditary cancer-predisposing syndrome. Also called: Tumor predisposition; Hereditary neoplastic syndrome; Hereditary Cancer Syndrome; Neoplastic Syndromes, Hereditary. Identifiers: Orphanet 140162, MedGen C0027672, MeSH D009386, MONDO:0015356.
Peutz-Jeghers syndrome (PJS). Also called: Peutz-Jeghers polyposis; Periorificial lentiginosis syndrome; POLYPOSIS, HAMARTOMATOUS INTESTINAL; POLYPS-AND-SPOTS SYNDROME. Identifiers: Orphanet 2869, MedGen C0031269, MeSH D010580, MONDO:0008280, OMIM 175200.

Allele frequency attached by ClinVar (database versions not stated): gnomAD exomes 0.00001 and 0.00002; gnomAD 0.00002 and 0.00003; TOPMed 0.00002; ExAC 0.00003.
gnomAD v4.1: 19 of 1,607,200 alleles (0.0012%); highest among the groups gnomAD compares: African/African-American, 0.0027%; no homozygotes.

Submissions (12):

Labcorp Genetics (formerly Invitae), Labcorp
Classification: Likely benign for Peutz-Jeghers syndrome. Last evaluated: 2025-12-31. Review status: criteria provided, single submitter. Criteria: Invitae Variant Classification Sherloc (09022015). Collection method: clinical testing. Allele origin: germline.

Quest Diagnostics Nichols Institute San Juan Capistrano
Classification: Likely benign. Last evaluated: 2025-08-26. Review status: criteria provided, single submitter. Criteria: Quest Diagnostics criteria. Collection method: clinical testing. Allele origin: unknown.

Myriad Genetics, Inc.
Classification: Benign for Peutz-Jeghers syndrome. Last evaluated: 2025-03-26. Review status: criteria provided, single submitter. Criteria: Myriad Autosomal Dominant, Autosomal Recessive and X-Linked Classification Criteria (2023). Collection method: clinical testing. Allele origin: unknown.
Comment: This variant is considered benign. This variant is a silent/synonymous amino acid change and it is not expected to impact splicing.

Center for Genomic Medicine, Rigshospitalet, Copenhagen University Hospital
Classification: Likely benign. Last evaluated: 2025-03-04. Review status: criteria provided, single submitter. Criteria: ACMG Guidelines, 2015. Collection method: clinical testing. Allele origin: germline.

CeGaT Center for Human Genetics Tuebingen
Classification: Likely benign. Last evaluated: 2025-03-01. Review status: criteria provided, single submitter. Criteria: CeGaT Center For Human Genetics Tuebingen Variant Classification Criteria Version 2. Collection method: clinical testing. Allele origin: germline. Affected: yes. Observed: 1 variant allele.
Comment: STK11: BP4, BP7

All of Us Research Program, National Institutes of Health
Classification: Likely benign for Peutz-Jeghers syndrome. Last evaluated: 2024-02-05. Review status: criteria provided, single submitter. Criteria: ACMG Guidelines, 2015. Collection method: clinical testing. Allele origin: germline. Inheritance: Autosomal dominant inheritance. Observed: 7 variant alleles, 7 heterozygotes.
Comment: This study involves interpretation of variants in research participants for the purpose of population health screening. Participant phenotype was not available at the time of variant classification. Additional details can be found in publication PMID: 35346344, PMCID: PMC8962531

Genome-Nilou Lab
Classification: Likely benign for Peutz-Jeghers syndrome. Last evaluated: 2021-07-15. Review status: criteria provided, single submitter. Criteria: ACMG Guidelines, 2015. Collection method: clinical testing. Allele origin: germline. Affected: no.

Women's Health and Genetics/Laboratory Corporation of America, LabCorp
Classification: Benign. Last evaluated: 2018-02-16. Review status: criteria provided, single submitter. Criteria: LabCorp Variant Classification Summary - May 2015. Collection method: clinical testing. Allele origin: germline.
Comment: Variant summary: STK11 c.552C>T alters a non-conserved nucleotide resulting in a synonymous change. 5/5 computational tools predict no significant impact on normal splicing. However, these predictions have yet to be confirmed by functional studies. The variant allele was found at a frequency of 2.3e-05 in 265506 control chromosomes (gnomAD). The observed variant frequency is approximately 3.62 fold of the estimated maximal expected allele frequency for a pathogenic variant in STK11 causing Peutz-Jeghers Syndrome phenotype (6.3e-06), strongly suggesting that the variant is benign. To our knowledge, no occurrence of c.552C>T in individuals affected with Peutz-Jeghers Syndrome and no experimental evidence demonstrating its impact on protein function have been reported. Two clinical diagnostic laboratories have submitted clinical-significance assessments for this variant to ClinVar after 2014 without evidence for independent evaluation. All laboratories classified the variant as likely benign. Based on the evidence outlined above, the variant was classified as benign.

Color Diagnostics, LLC DBA Color Health
Classification: Likely benign for Hereditary cancer-predisposing syndrome. Last evaluated: 2015-07-17. Review status: criteria provided, single submitter. Criteria: ACMG Guidelines, 2015. Collection method: clinical testing. Allele origin: germline.

GeneDx
Classification: Benign. Last evaluated: 2015-03-03. Review status: criteria provided, single submitter. Criteria: GeneDx Variant Classification Process June 2021. Collection method: clinical testing. Allele origin: germline. Affected: yes.

Ambry Genetics
Classification: Likely benign for Hereditary cancer-predisposing syndrome. Last evaluated: 2014-05-22. Review status: criteria provided, single submitter. Criteria: Ambry Variant Classification Scheme 2023. Collection method: clinical testing. Allele origin: germline.

PreventionGenetics, part of Exact Sciences
Classification: Likely benign for STK11-related condition. Last evaluated: 2019-10-31. Review status: no assertion criteria provided. Collection method: clinical testing. Allele origin: germline. Not counted in ClinVar's aggregate classification.
Comment: This variant is classified as likely benign based on ACMG/AMP sequence variant interpretation guidelines (Richards et al. 2015 PMID: 25741868, with internal and published modifications).

NM_000455.5(STK11):c.552C>T (p.Leu184=)

Gene: STK11 (serine/threonine kinase 11; plus strand). Cytogenetic location: 19p13.3.
Variant type: single nucleotide variant.
Coding change: c.552C>T on transcript NM_000455.5 (MANE Select); coding-DNA position 552, C replaced by T.
Protein change: p.Leu184=; no amino-acid change (leucine 184 retained).
Molecular consequence: synonymous variant.
Genome position (GRCh38, 1-based): chr19:1,220,460, C>T. VCF-style: chr19-1220460-C-T. GRCh37 (hg19) VCF-style: chr19-1220459-C-T.
Identifiers: ClinVar variation 135923 (VCV000135923.36), dbSNP rs587780719, ClinGen allele CA023074.
Genomic context (GRCh38, chr19:1,220,460, plus strand): 5'-GGAGTACCTGCATAGCCAGGGCATTGTGCACAAGGACATCAAGCCGGGGAACCTGCTGCT[C>T]ACCACCGGTGGCACCCTCAAAATCTCCGACCTGGGCGTGGCCGAGGTAGGCACGTGCTAG-3'
Protein context (NP_000446.1, residues 174-194): HKDIKPGNLL[Leu184=]TTGGTLKISD